The following is an entry in ClinVar:

ClinVar aggregate classification (germline): Likely benign (0 of 4 stars; one submission).

Conditions:
CHD3-related disorder. Also called: CHD3-related condition.

Allele frequency attached by ClinVar (database versions not stated): gnomAD 0.00001; ExAC 0.00002; TOPMed 0.00002; 1000 Genomes Project 30x 0.00016; 1000 Genomes Project 0.00020.
gnomAD v4.1: 5 of 1,614,166 alleles (0.00031%); highest among the groups gnomAD compares: Admixed American, 0.0067%; no homozygotes.

Submission:

PreventionGenetics, part of Exact Sciences
Classification: Likely benign for CHD3-related condition. Last evaluated: 2019-08-12. Review status: no assertion criteria provided. Collection method: clinical testing. Allele origin: germline.
Comment: This variant is classified as likely benign based on ACMG/AMP sequence variant interpretation guidelines (Richards et al. 2015 PMID: 25741868, with internal and published modifications).

NM_001005273.3(CHD3):c.3798G>A (p.Arg1266=)

Gene: CHD3 (chromodomain helicase DNA binding protein 3; plus strand). Cytogenetic location: 17p13.1.
Variant type: single nucleotide variant.
Coding change: c.3798G>A on transcript NM_001005273.3 (MANE Select); coding-DNA position 3798, G replaced by A.
Protein change: p.Arg1266=; no amino-acid change (arginine 1266 retained).
Molecular consequence: synonymous variant.
Genome position (GRCh38, 1-based): chr17:7,903,895, G>A. VCF-style: chr17-7903895-G-A. GRCh37 (hg19) VCF-style: chr17-7807213-G-A.
Other names: c.3975G>A, p.Arg1325= (NM_001005271.3); c.3798G>A, p.Arg1266= (NM_005852.4).
Identifiers: ClinVar variation 3035064 (VCV003035064.2), dbSNP rs200956669, ClinGen allele CA8363159.
Genomic context (GRCh38, chr17:7,903,895, plus strand): 5'-GGAGGAGGACAGCAGTGTGATTCATTATGACAATGAGGCCATCGCTCGGCTGTTGGACCG[G>A]AACCAGGATGCAACTGAGGACACTGACGTGCAGAACATGAATGAGTATCTCAGCTCCTTC-3'
Protein context (NP_001005273.1, residues 1256-1276): DNEAIARLLD[Arg1266=]NQDATEDTDV